The following is an entry in ClinVar:

ClinVar aggregate classification (germline): Uncertain significance (1 of 4 stars; one submission).

Allele frequency attached by ClinVar (database versions not stated): TOPMed 0.00002; gnomAD exomes below 0.00001; gnomAD 0.00001.
gnomAD v4.1: 6 of 1,613,636 alleles (0.00037%); highest among the groups gnomAD compares: Non-Finnish European, 0.00034%; no homozygotes.

Submission:

Labcorp Genetics (formerly Invitae), Labcorp
Classification: Uncertain significance. Last evaluated: 2023-03-02. Review status: criteria provided, single submitter. Criteria: Invitae Variant Classification Sherloc (09022015). Collection method: clinical testing. Allele origin: germline.
Comment: In summary, the available evidence is currently insufficient to determine the role of this variant in disease. Therefore, it has been classified as a Variant of Uncertain Significance. Algorithms developed to predict the effect of missense changes on protein structure and function output the following: SIFT: "Not Available"; PolyPhen-2: "Benign"; Align-GVGD: "Not Available". The histidine amino acid residue is found in multiple mammalian species, which suggests that this missense change does not adversely affect protein function. This variant has not been reported in the literature in individuals affected with IFT57-related conditions. This variant is not present in population databases (gnomAD no frequency). This sequence change replaces arginine, which is basic and polar, with histidine, which is basic and polar, at codon 100 of the IFT57 protein (p.Arg100His).

NM_018010.4(IFT57):c.299G>A (p.Arg100His)

Gene: IFT57 (intraflagellar transport 57; minus strand). Cytogenetic location: 3q13.13.
Variant type: single nucleotide variant.
Coding change: c.299G>A on transcript NM_018010.4 (MANE Select); coding-DNA position 299, G replaced by A.
Protein change: p.Arg100His; replaces arginine 100 with histidine.
Molecular consequence: missense variant.
Genome position (GRCh38, 1-based): chr3:108,219,486, C>T on the plus strand (G>A on the coding strand, the complement: IFT57 is on the minus strand). VCF-style: chr3-108219486-C-T. GRCh37 (hg19) VCF-style: chr3-107938333-C-T.
Other names: short protein forms R100H.
Identifiers: ClinVar variation 2897276 (VCV002897276.3), dbSNP rs1395771768, ClinGen allele CA353910013.